The following is an entry in ClinVar:

ClinVar aggregate classification (germline): Uncertain significance (1 of 4 stars; one submission).

Conditions:
Dystonic disorder. Also called: Dystonia. Identifiers: MedGen C0013421, MONDO:0003441, HP:0001332.

Allele frequency attached by ClinVar (database versions not stated): gnomAD exomes below 0.00001.
gnomAD v4.1: 4 of 1,613,916 alleles (0.00025%); highest among the groups gnomAD compares: Non-Finnish European, 0.00034%; no homozygotes.

Submission:

Labcorp Genetics (formerly Invitae), Labcorp
Classification: Uncertain significance for Dystonic disorder. Last evaluated: 2020-09-03. Review status: criteria provided, single submitter. Criteria: Invitae Variant Classification Sherloc (09022015). Collection method: clinical testing. Allele origin: germline.
Comment: In summary, the available evidence is currently insufficient to determine the role of this variant in disease. Therefore, it has been classified as a Variant of Uncertain Significance. Algorithms developed to predict the effect of missense changes on protein structure and function (SIFT, PolyPhen-2, Align-GVGD) all suggest that this variant is likely to be tolerated, but these predictions have not been confirmed by published functional studies and their clinical significance is uncertain. This variant has not been reported in the literature in individuals with ANO3-related conditions. This variant is not present in population databases (ExAC no frequency). This sequence change replaces aspartic acid with glycine at codon 277 of the ANO3 protein (p.Asp277Gly). The aspartic acid residue is moderately conserved and there is a moderate physicochemical difference between aspartic acid and glycine.

NM_031418.4(ANO3):c.830A>G (p.Asp277Gly)

Gene: ANO3 (anoctamin 3; plus strand). Cytogenetic location: 11p14.2.
Variant type: single nucleotide variant.
Coding change: c.830A>G on transcript NM_031418.4 (MANE Select); coding-DNA position 830, A replaced by G.
Protein change: p.Asp277Gly; replaces aspartic acid 277 with glycine.
Molecular consequence: missense variant.
Genome position (GRCh38, 1-based): chr11:26,531,297, A>G. VCF-style: chr11-26531297-A-G. GRCh37 (hg19) VCF-style: chr11-26552844-A-G.
Other names: c.1013A>G, p.Asp338Gly (NM_001313726.2); c.392A>G, p.Asp131Gly (NM_001313727.2); short protein forms D338G, D131G, D277G.
Identifiers: ClinVar variation 1039158 (VCV001039158.9), dbSNP rs1849364662, ClinGen allele CA379930116.
Genomic context (GRCh38, chr11:26,531,297, plus strand): 5'-GGATGGCCCAAAACCCAATGGTTCTTGACAAGTCAGCTTTTCCAGACCTAGAGGAGTCAG[A>G]CTGCTATACTGGCCCCTTCAGCCGTGCACGGATTCACCAGTGAGTTCCCCTCTTTTTTCA-3'
Protein context (NP_113606.2, residues 267-287): KSAFPDLEES[Asp277Gly]CYTGPFSRAR